The following is an entry in ClinVar:

NM_004168.4(SDHA):c.1526C>T (p.Ser509Leu)

Gene: SDHA (succinate dehydrogenase complex flavoprotein subunit A; plus strand). Cytogenetic location: 5p15.33.
Variant type: single nucleotide variant.
Coding change: c.1526C>T on transcript NM_004168.4 (MANE Select); coding-DNA position 1526, C replaced by T.
Protein change: p.Ser509Leu; replaces serine 509 with leucine.
Molecular consequence: missense variant.
Genome position (GRCh38, 1-based): chr5:240,451, C>T. VCF-style: chr5-240451-C-T. GRCh37 (hg19) VCF-style: chr5-240566-C-T.
Other names: c.1526C>T (NM_004168.2); c.1382C>T, p.Ser461Leu (NM_001294332.2); c.1526C>T, p.Ser509Leu (NM_001330758.2); short protein forms S509L, S461L.
Identifiers: ClinVar variation 39586 (VCV000039586.11), dbSNP rs397514541, ClinGen allele CA130383.

ClinVar aggregate classification (germline): Uncertain significance. Review status: criteria provided, multiple submitters, no conflicts (2 of 4 stars). 4 submissions from 4 submitters: Uncertain significance (3). 1 of the submissions does not count toward it. Last evaluated 2025-07-13.

Conditions:
Hereditary cancer-predisposing syndrome. Also called: Neoplastic Syndromes, Hereditary; Hereditary Cancer Syndrome; Hereditary neoplastic syndrome; Tumor predisposition. Identifiers: Orphanet 140162, MedGen C0027672, MeSH D009386, MONDO:0015356.
Mitochondrial complex II deficiency, nuclear type 1. Also called: SUCCINATE CoQ REDUCTASE DEFICIENCY. Identifiers: Orphanet 3208, MedGen C5700310, MONDO:0100294, OMIM 252011.
Pheochromocytoma/paraganglioma syndrome 5. Also called: Paragangliomas 5; SDHA-Related Hereditary Paraganglioma-Pheochromocytoma Syndrome. Identifiers: Orphanet 29072, MedGen C3279992, MONDO:0013602, OMIM 614165.

Submissions (4):

Labcorp Genetics (formerly Invitae), Labcorp
Classification: Uncertain significance for Pheochromocytoma/paraganglioma syndrome 5; Mitochondrial complex II deficiency, nuclear type 1. Last evaluated: 2025-07-13. Review status: criteria provided, single submitter. Criteria: Invitae Variant Classification Sherloc (09022015). Collection method: clinical testing. Allele origin: germline.
Comment: This sequence change replaces serine, which is neutral and polar, with leucine, which is neutral and non-polar, at codon 509 of the SDHA protein (p.Ser509Leu). This variant is not present in population databases (gnomAD no frequency). This missense change has been observed in individual(s) with leukodystrophy, cardiomyopathy and mitochondrial complex II deficiency (PMID: 22972948, 26642834). ClinVar contains an entry for this variant (Variation ID: 39586). Invitae Evidence Modeling of protein sequence and biophysical properties (such as structural, functional, and spatial information, amino acid conservation, physicochemical variation, residue mobility, and thermodynamic stability) has been performed for this missense variant. However, the output from this modeling did not meet the statistical confidence thresholds required to predict the impact of this variant on SDHA protein function. Experimental studies are conflicting or provide insufficient evidence to determine the effect of this variant on SDHA function (PMID: 22972948). In summary, the available evidence is currently insufficient to determine the role of this variant in disease. Therefore, it has been classified as a Variant of Uncertain Significance.

Molecular Diagnostics Laboratory, Catalan Institute of Oncology
Classification: Uncertain significance for Hereditary cancer-predisposing syndrome. Last evaluated: 2025-04-09. Review status: criteria provided, single submitter. Criteria: ACMG Guidelines, 2015. Collection method: clinical testing. Allele origin: germline.
Comment: PM2_Supporting c.1526C>T, located in exon 11 of the SDHA gene, is predicted to result in the substitution of serine by leucine at codon 509, p.(Ser509Leu). It is not present in the population database gnomAD v2.1.1, non cancer dataset (PM2_Supporting). The SpliceAI algorithm predicts no significant impact on splicing and the REVEL meta-predictor score (0.569) for this variant is indeterminate regarding the effect that it may have on protein function according Pejaver 2022 thresholds (PMID: 36413997). It has been identified in an individual with mitochondrial complex II deficiency nuclear type 1 (PMID: 22972948) and an individual affected with infantile leukoencephalopathy (PMID 26642834) both in compound heterozygous state but the second pathogenic variant has not been correctly characterized (c.1523C>T). To our knowledge functional studies have not been reported for this variant. It has been reported in ClinVar (2x uncertain significance, 1x pathogenic) and LOVD (1x uncertain significance) databases. Based on currently available information, c.1526C>T is classified as an uncertain significance variant according to ACMG guidelines.

Ambry Genetics
Classification: Uncertain significance for Hereditary cancer-predisposing syndrome. Last evaluated: 2024-10-31. Review status: criteria provided, single submitter. Criteria: Ambry Variant Classification Scheme 2023. Collection method: clinical testing. Allele origin: germline.
Comment: The p.S509L variant (also known as c.1526C>T), located in coding exon 11 of the SDHA gene, results from a C to T substitution at nucleotide position 1526. The serine at codon 509 is replaced by leucine, an amino acid with dissimilar properties. However, control allele frequencies were not reported in this study (Alston CL et al. J Med Genet, 2012 Sep;49:569-77). This amino acid position is highly conserved in available vertebrate species. In addition, this alteration is predicted to be deleterious by in silico analysis. Based on the available evidence, the clinical significance of this variant remains unclear.

OMIM
Classification: Pathogenic for MITOCHONDRIAL COMPLEX II DEFICIENCY, NUCLEAR TYPE 1. Last evaluated: 2012-09-01. Review status: no assertion criteria provided. Collection method: literature only. Allele origin: germline. Not counted in ClinVar's aggregate classification.

Literature cited by the submitters: PubMed 22972948 (cited by 3 submitters); PubMed 26642834 (cited by Labcorp Genetics (formerly Invitae), Labcorp).